The following is an entry in ClinVar:

NM_006096.4(NDRG1):c.1150A>C (p.Ser384Arg)

Gene: NDRG1 (N-myc downstream regulated 1; minus strand). Cytogenetic location: 8q24.22.
Variant type: single nucleotide variant.
Coding change: c.1150A>C on transcript NM_006096.4 (MANE Select); coding-DNA position 1150, A replaced by C.
Protein change: p.Ser384Arg; replaces serine 384 with arginine.
Molecular consequence: missense variant.
Genome position (GRCh38, 1-based): chr8:133,238,913, T>G on the plus strand (A>C on the coding strand, the complement: NDRG1 is on the minus strand). VCF-style: chr8-133238913-T-G. GRCh37 (hg19) VCF-style: chr8-134251156-T-G.
Other names: c.1150A>C, p.Ser384Arg (NM_001135242.2, NM_001374845.1, NM_001374846.1); c.952A>C, p.Ser318Arg (NM_001258432.2, NM_001374847.1); c.907A>C, p.Ser303Arg (NM_001258433.2); c.1201A>C, p.Ser401Arg (NM_001374844.1); short protein forms S318R, S303R, S384R, S401R.
Identifiers: ClinVar variation 1733923 (VCV001733923.7), dbSNP rs1855214312, ClinGen allele CA372254246.
Genomic context (GRCh38, chr8:133,238,913, plus strand): 5'-CGGGGGCGGCAGCTGGGCAGGCCGCCTAGCAGGAGACCTCCATGGACTTGGGCCCGGCGC[T>G]GTTCCCAGCAGCACCCGAGTTGGGGGTGATGTCCAGGTGGGCCCCCTCGCTGGTGTGCGA-3'
Protein context (NP_006087.2, residues 374-394): ITPNSGAAGN[Ser384Arg]AGPKSMEVSC

ClinVar aggregate classification (germline): Uncertain significance. Review status: criteria provided, multiple submitters, no conflicts (2 of 4 stars). 2 submissions from 2 submitters: Uncertain significance (2). Last evaluated 2022-06-21.

Conditions:
Inborn genetic diseases. Identifiers: MedGen C0950123, MeSH D030342.
Charcot-Marie-Tooth disease type 4. Also called: Charcot-Marie-Tooth disease, type IV; Charcot-Marie-Tooth, Type 4. Identifiers: Orphanet 64749, MedGen C4082197, MONDO:0018995.

Submissions (2):

Labcorp Genetics (formerly Invitae), Labcorp
Classification: Uncertain significance for Charcot-Marie-Tooth disease type 4. Last evaluated: 2022-06-21. Review status: criteria provided, single submitter. Criteria: Invitae Variant Classification Sherloc (09022015). Collection method: clinical testing. Allele origin: germline.
Comment: In summary, the available evidence is currently insufficient to determine the role of this variant in disease. Therefore, it has been classified as a Variant of Uncertain Significance. Algorithms developed to predict the effect of missense changes on protein structure and function (SIFT, PolyPhen-2, Align-GVGD) all suggest that this variant is likely to be tolerated. This variant has not been reported in the literature in individuals affected with NDRG1-related conditions. This variant is not present in population databases (gnomAD no frequency). This sequence change replaces serine, which is neutral and polar, with arginine, which is basic and polar, at codon 384 of the NDRG1 protein (p.Ser384Arg).

Ambry Genetics
Classification: Uncertain significance for Inborn genetic diseases. Last evaluated: 2021-04-30. Review status: criteria provided, single submitter. Criteria: Ambry Variant Classification Scheme 2023. Collection method: clinical testing. Allele origin: germline.
Comment: The p.S384R variant (also known as c.1150A>C), located in coding exon 15 of the NDRG1 gene, results from an A to C substitution at nucleotide position 1150. The serine at codon 384 is replaced by arginine, an amino acid with dissimilar properties. This amino acid position is not well conserved in available vertebrate species. In addition, this alteration is predicted to be tolerated by in silico analysis. Since supporting evidence is limited at this time, the clinical significance of this alteration remains unclear.